The following is an entry in ClinVar:

NM_000268.4(NF2):c.1574+1del

Gene: NF2 (NF2, moesin-ezrin-radixin like (MERLIN) tumor suppressor; plus strand). Cytogenetic location: 22q12.2.
Variant type: Deletion.
Coding change: c.1574+1del on transcript NM_000268.4 (MANE Select); the canonical splice donor site of the intron after coding-DNA position 1574, one base deleted (G; older notation c.1574+1delG).
Molecular consequence: splice donor variant. On other transcripts: intron variant (1).
Genome position (GRCh38, 1-based): chr22:29,678,324, G deleted. VCF-style (leftmost placement, unchanged base first): chr22-29678323-AG-A. GRCh37 (hg19) VCF-style: chr22-30074312-AG-A.
Other names: c.1574+1del (NM_016418.5, NM_181832.3, NM_001407060.1 and 2 more transcripts); c.1460+1del (NM_001407056.1, NM_001407053.1); c.1343+1del (NM_001407067.1); c.1040+1del (NM_001407065.1); c.1439+1del (NM_001407059.1, NM_001407057.1); c.448-16428del (NM_181833.3); c.1451+1del (NM_001407058.1, NM_181829.3, NM_001407054.1); c.1316+1del (NM_001407062.1); and 2 more.
Identifiers: ClinVar variation 4732845 (VCV004732845.1).

ClinVar aggregate classification (germline): Pathogenic (1 of 4 stars; one submission).

Conditions:
Neurofibromatosis, type 2 (SWNV). Also called: BILATERAL ACOUSTIC NEUROFIBROMATOSIS; NF2-Related Schwannomatosis; SCHWANNOMATOSIS, VESTIBULAR. Identifiers: Orphanet 637, MedGen C0027832, MONDO:0007039, OMIM 101000. Disease mechanism: loss of function.

Submission:

Labcorp Genetics (formerly Invitae), Labcorp
Classification: Pathogenic for Neurofibromatosis, type 2. Last evaluated: 2025-12-09. Review status: criteria provided, single submitter. Criteria: Invitae Variant Classification Sherloc (09022015). Collection method: clinical testing. Allele origin: germline.
Comment: This sequence change affects a splice site in intron 14 of the NF2 gene. It is expected to disrupt RNA splicing. Variants that disrupt the donor or acceptor splice site typically lead to a loss of protein function (PMID: 16199547), and loss-of-function variants in NF2 are known to be pathogenic (PMID: 9643284, 16983642). This variant is not present in population databases (gnomAD no frequency). Disruption of this splice site has been observed in individuals with neurofibromatosis type 2 (PMID: 9605590, 21563229). Algorithms developed to predict the effect of sequence changes on RNA splicing suggest that this variant may disrupt the consensus splice site. For these reasons, this variant has been classified as Pathogenic.

Literature cited by the submitters: PubMed 16199547; PubMed 9643284; PubMed 16983642; PubMed 9605590; PubMed 21563229.